The following is an entry in ClinVar:

NM_017617.5(NOTCH1):c.3915G>A (p.Glu1305=)

Gene: NOTCH1 (notch receptor 1; minus strand). Cytogenetic location: 9q34.3.
Variant type: single nucleotide variant.
Coding change: c.3915G>A on transcript NM_017617.5 (MANE Select); coding-DNA position 3915, G replaced by A.
Protein change: p.Glu1305=; no amino-acid change (glutamic acid 1305 retained).
Molecular consequence: synonymous variant.
Genome position (GRCh38, 1-based): chr9:136,506,626, C>T on the plus strand (G>A on the coding strand, the complement: NOTCH1 is on the minus strand). VCF-style: chr9-136506626-C-T. GRCh37 (hg19) VCF-style: chr9-139401078-C-T.
Other names: c.3915G>A, p.Glu1305= (LRG_1122t1).
Identifiers: ClinVar variation 511789 (VCV000511789.11), dbSNP rs1554728133, ClinGen allele CA467833030.

ClinVar aggregate classification (germline): Benign/Likely benign. Review status: criteria provided, multiple submitters, no conflicts (2 of 4 stars). 5 submissions from 4 submitters: Benign (2); Likely benign (3). Last evaluated 2025-05-05.

Conditions:
Aortic valve disease 1 (AOVD1). Identifiers: MedGen C3887892, MONDO:0024523, OMIM 109730.
Adams-Oliver syndrome 5 (AOS5). Identifiers: Orphanet 974, MedGen C4014970, MONDO:0014459, OMIM 616028.
Familial thoracic aortic aneurysm and aortic dissection (TAAD). Also called: Thoracic aortic aneurysms and dissections. Identifiers: Orphanet 91387, MedGen C4707243, MONDO:0019625.

Allele frequency attached by ClinVar (database versions not stated): gnomAD exomes below 0.00001.

Submissions (5):

Labcorp Genetics (formerly Invitae), Labcorp
Classification: Likely benign for Adams-Oliver syndrome 5. Last evaluated: 2025-05-05. Review status: criteria provided, single submitter. Criteria: Invitae Variant Classification Sherloc (09022015). Collection method: clinical testing. Allele origin: germline.

Ambry Genetics
Classification: Likely benign for Familial thoracic aortic aneurysm and aortic dissection. Last evaluated: 2023-10-01. Review status: criteria provided, single submitter. Criteria: Ambry Variant Classification Scheme 2023. Collection method: clinical testing. Allele origin: germline.

Genome-Nilou Lab
Classification: Benign for Adams-Oliver syndrome 5. Last evaluated: 2022-03-15. Review status: criteria provided, single submitter. Criteria: ACMG Guidelines, 2015. Collection method: clinical testing. Allele origin: germline. Affected: no.

Genome-Nilou Lab
Classification: Benign for Aortic valve disease 1. Last evaluated: 2022-03-15. Review status: criteria provided, single submitter. Criteria: ACMG Guidelines, 2015. Collection method: clinical testing. Allele origin: germline. Affected: no.

GeneDx
Classification: Likely benign. Last evaluated: 2017-08-31. Review status: criteria provided, single submitter. Criteria: GeneDx Variant Classification (06012015). Collection method: clinical testing. Allele origin: germline. Affected: yes.
Comment: This variant is considered likely benign or benign based on one or more of the following criteria: it is a conservative change, it occurs at a poorly conserved position in the protein, it is predicted to be benign by multiple in silico algorithms, and/or has population frequency not consistent with disease.